The following is an entry in ClinVar:

ClinVar aggregate classification (germline): Uncertain significance (1 of 4 stars; one submission).

Conditions:
Pheochromocytoma. Also called: MAX-Related Hereditary Paraganglioma-Pheochromocytoma Syndrome. Identifiers: Orphanet 29072, MedGen C0031511, MONDO:0008233, OMIM 171300, HP:0002666.
Pheochromocytoma/paraganglioma syndrome 4. Also called: CAROTID BODY TUMORS AND MULTIPLE EXTRAADRENAL PHEOCHROMOCYTOMAS; PARAGANGLIOMA, FAMILIAL MALIGNANT; PARAGANGLIOMAS, HEREDITARY EXTRAADRENAL; PHEOCHROMOCYTOMA, FAMILIAL EXTRAADRENAL; Paragangliomas 4; SDHB-Related Hereditary Paraganglioma-Pheochromocytoma Syndrome (Paragangliomas 4). Identifiers: Orphanet 29072, MedGen C1861848, MONDO:0007273, OMIM 115310.
Gastrointestinal stromal tumor. Also called: Gastrointestinal stromal tumor, somatic; Gastrointestinal stroma tumor. Identifiers: Orphanet 44890, MedGen C0238198, MeSH D046152, MONDO:0011719, OMIM 606764, HP:0100723.

Submission:

Labcorp Genetics (formerly Invitae), Labcorp
Classification: Uncertain significance for Gastrointestinal stromal tumor; Pheochromocytoma/paraganglioma syndrome 4; Pheochromocytoma. Last evaluated: 2024-09-23. Review status: criteria provided, single submitter. Criteria: Invitae Variant Classification Sherloc (09022015). Collection method: clinical testing. Allele origin: germline.
Comment: This sequence change replaces serine, which is neutral and polar, with phenylalanine, which is neutral and non-polar, at codon 222 of the SDHB protein (p.Ser222Phe). This variant is not present in population databases (gnomAD no frequency). This variant has not been reported in the literature in individuals affected with SDHB-related conditions. Invitae Evidence Modeling of protein sequence and biophysical properties (such as structural, functional, and spatial information, amino acid conservation, physicochemical variation, residue mobility, and thermodynamic stability) indicates that this missense variant is expected to disrupt SDHB protein function with a positive predictive value of 80%. In summary, the available evidence is currently insufficient to determine the role of this variant in disease. Therefore, it has been classified as a Variant of Uncertain Significance.

NM_003000.3(SDHB):c.665C>T (p.Ser222Phe)

Gene: SDHB (succinate dehydrogenase complex iron sulfur subunit B; minus strand). Cytogenetic location: 1p36.13.
Variant type: single nucleotide variant.
Coding change: c.665C>T on transcript NM_003000.3 (MANE Select); coding-DNA position 665, C replaced by T.
Protein change: p.Ser222Phe; replaces serine 222 with phenylalanine.
Molecular consequence: missense variant.
Genome position (GRCh38, 1-based): chr1:17,022,708, G>A on the plus strand (C>T on the coding strand, the complement: SDHB is on the minus strand). VCF-style: chr1-17022708-G-A. GRCh37 (hg19) VCF-style: chr1-17349203-G-A.
Other names: c.611C>T, p.Ser204Phe (NM_001407361.1); short protein forms S204F, S222F.
Identifiers: ClinVar variation 3749200 (VCV003749200.2).